The following is an entry in ClinVar:

NM_006158.5(NEFL):c.1005G>C (p.Glu335Asp)

Gene: NEFL (neurofilament light chain; minus strand). Cytogenetic location: 8p21.2.
Variant type: single nucleotide variant.
Coding change: c.1005G>C on transcript NM_006158.5 (MANE Select); coding-DNA position 1005, G replaced by C.
Protein change: p.Glu335Asp; replaces glutamic acid 335 with aspartic acid.
Molecular consequence: missense variant.
Genome position (GRCh38, 1-based): chr8:24,955,511, C>G on the plus strand (G>C on the coding strand, the complement: NEFL is on the minus strand). VCF-style: chr8-24955511-C-G. GRCh37 (hg19) VCF-style: chr8-24813025-C-G.
Other names: short protein forms E335D.
Identifiers: ClinVar variation 1782289 (VCV001782289.2), dbSNP rs2486885742, ClinGen allele CA370621151.

ClinVar aggregate classification (germline): Uncertain significance (1 of 4 stars; one submission).

Conditions:
Inborn genetic diseases. Identifiers: MedGen C0950123, MeSH D030342.

Submission:

Ambry Genetics
Classification: Uncertain significance for Inborn genetic diseases. Last evaluated: 2022-08-29. Review status: criteria provided, single submitter. Criteria: Ambry Variant Classification Scheme 2023. Collection method: clinical testing. Allele origin: germline.
Comment: The p.E335D variant (also known as c.1005G>C), located in coding exon 1 of the NEFL gene, results from a G to C substitution at nucleotide position 1005. The glutamic acid at codon 335 is replaced by aspartic acid, an amino acid with highly similar properties. This amino acid position is conserved. In addition, this alteration is predicted to be tolerated by in silico analysis. Since supporting evidence is limited at this time, the clinical significance of this alteration remains unclear.